The following is an entry in ClinVar:

ClinVar aggregate classification (germline): Uncertain significance (1 of 4 stars; one submission).

Submission:

GeneDx
Classification: Uncertain significance. Last evaluated: 2026-03-05. Review status: criteria provided, single submitter. Criteria: GeneDx Variant Classification Process June 2021. Collection method: clinical testing. Allele origin: germline.
Comment: Observed in a patient with hearing loss in published literature (PMID: 39640791); Not observed at significant frequency in large population cohorts (gnomAD); In silico analysis supports that this missense variant has a deleterious effect on protein structure/function; This variant is associated with the following publications: (PMID: 39640791)

NM_001145026.2(PTPRQ):c.6655C>T (p.His2219Tyr)

Gene: PTPRQ (protein tyrosine phosphatase receptor type Q; plus strand). Cytogenetic location: 12q21.31.
Variant type: single nucleotide variant.
Coding change: c.6655C>T on transcript NM_001145026.2 (MANE Select); coding-DNA position 6655, C replaced by T.
Protein change: p.His2219Tyr; replaces histidine 2219 with tyrosine.
Molecular consequence: missense variant.
Genome position (GRCh38, 1-based): chr12:80,673,221, C>T. VCF-style: chr12-80673221-C-T. GRCh37 (hg19) VCF-style: chr12-81067000-C-T.
Other names: short protein forms H2219Y.
Identifiers: ClinVar variation 4795669 (VCV004795669.2).